The following is an entry in ClinVar:

ClinVar aggregate classification (germline): Uncertain significance (1 of 4 stars; one submission).

Submission:

Labcorp Genetics (formerly Invitae), Labcorp
Classification: Uncertain significance. Last evaluated: 2022-05-21. Review status: criteria provided, single submitter. Criteria: Invitae Variant Classification Sherloc (09022015). Collection method: clinical testing. Allele origin: germline.
Comment: In summary, the available evidence is currently insufficient to determine the role of this variant in disease. Therefore, it has been classified as a Variant of Uncertain Significance. Algorithms developed to predict the effect of missense changes on protein structure and function (SIFT, PolyPhen-2, Align-GVGD) all suggest that this variant is likely to be disruptive. This variant has not been reported in the literature in individuals affected with NBAS-related conditions. This variant is not present in population databases (gnomAD no frequency). This sequence change replaces glutamic acid, which is acidic and polar, with lysine, which is basic and polar, at codon 1669 of the NBAS protein (p.Glu1669Lys).

NM_015909.4(NBAS):c.5005G>A (p.Glu1669Lys)

Gene: NBAS (NBAS subunit of NRZ tethering complex; minus strand). Cytogenetic location: 2p24.3.
Variant type: single nucleotide variant.
Coding change: c.5005G>A on transcript NM_015909.4 (MANE Select); coding-DNA position 5005, G replaced by A.
Protein change: p.Glu1669Lys; replaces glutamic acid 1669 with lysine.
Molecular consequence: missense variant. On other transcripts: non-coding transcript variant (1).
Genome position (GRCh38, 1-based): chr2:15,292,559, C>T on the plus strand (G>A on the coding strand, the complement: NBAS is on the minus strand). VCF-style: chr2-15292559-C-T. GRCh37 (hg19) VCF-style: chr2-15432683-C-T.
Other names: short protein forms E1669K.
Identifiers: ClinVar variation 2107825 (VCV002107825.4), dbSNP rs2528202701, ClinGen allele CA345888657.